The following is an entry in ClinVar:

ClinVar aggregate classification (germline): Uncertain significance (1 of 4 stars; one submission).

Conditions:
Nemaline myopathy 8 (NEM8). Also called: Nemaline myopathy 8, autosomal recessive. Identifiers: Orphanet 171430, MedGen C3809209, MONDO:0014138, OMIM 615348.

Allele frequency attached by ClinVar (database versions not stated): gnomAD 0.00001; 1000 Genomes Project 30x 0.00016.
gnomAD v4.1: 6 of 1,561,744 alleles (0.00038%); highest among the groups gnomAD compares: Admixed American, 0.0074%; no homozygotes.

Submission:

Labcorp Genetics (formerly Invitae), Labcorp
Classification: Uncertain significance for Nemaline myopathy 8. Last evaluated: 2022-08-19. Review status: criteria provided, single submitter. Criteria: Invitae Variant Classification Sherloc (09022015). Collection method: clinical testing. Allele origin: germline.
Comment: Algorithms developed to predict the effect of missense changes on protein structure and function are either unavailable or do not agree on the potential impact of this missense change (SIFT: "Deleterious"; PolyPhen-2: "Benign"; Align-GVGD: "Class C15"). This variant has not been reported in the literature in individuals affected with KLHL40-related conditions. The frequency data for this variant in the population databases is considered unreliable, as metrics indicate poor data quality at this position in the gnomAD database. This sequence change replaces arginine, which is basic and polar, with leucine, which is neutral and non-polar, at codon 200 of the KLHL40 protein (p.Arg200Leu). In summary, the available evidence is currently insufficient to determine the role of this variant in disease. Therefore, it has been classified as a Variant of Uncertain Significance.

NM_152393.4(KLHL40):c.599G>T (p.Arg200Leu)

Gene: KLHL40 (kelch like family member 40; plus strand). Cytogenetic location: 3p22.1.
Variant type: single nucleotide variant.
Coding change: c.599G>T on transcript NM_152393.4 (MANE Select); coding-DNA position 599, G replaced by T.
Protein change: p.Arg200Leu; replaces arginine 200 with leucine.
Molecular consequence: missense variant.
Genome position (GRCh38, 1-based): chr3:42,686,217, G>T. VCF-style: chr3-42686217-G-T. GRCh37 (hg19) VCF-style: chr3-42727709-G-T.
Other names: short protein forms R200L.
Identifiers: ClinVar variation 2198575 (VCV002198575.4), dbSNP rs1402508999, ClinGen allele CA352290007.